The following is an entry in ClinVar:

ClinVar aggregate classification (germline): Pathogenic (1 of 4 stars; one submission).

Submission:

Labcorp Genetics (formerly Invitae), Labcorp
Classification: Pathogenic. Last evaluated: 2025-12-26. Review status: criteria provided, single submitter. Criteria: Invitae Variant Classification Sherloc (09022015). Collection method: clinical testing. Allele origin: germline.
Comment: This sequence change creates a premature translational stop signal (p.Pro43Alafs*13) in the NPHS2 gene. It is expected to result in an absent or disrupted protein product. Loss-of-function variants in NPHS2 are known to be pathogenic (PMID: 10742096, 14701729, 15253708, 23595123). This variant is not present in population databases (gnomAD no frequency). This variant has not been reported in the literature in individuals affected with NPHS2-related conditions. For these reasons, this variant has been classified as Pathogenic.

Literature cited by the submitters: PubMed 10742096; PubMed 14701729; PubMed 15253708; PubMed 23595123.

NM_014625.4(NPHS2):c.126_166del (p.Pro43fs)

Gene: NPHS2 (NPHS2 stomatin family member, podocin; minus strand). Cytogenetic location: 1q25.2.
Variant type: Deletion.
Coding change: c.126_166del on transcript NM_014625.4 (MANE Select); coding-DNA positions 126 to 166, 41 bases deleted.
Protein change: p.Pro43fs; shifts the reading frame from proline 43.
Molecular consequence: frameshift variant.
Genome position (GRCh38, 1-based): chr1:179,575,699-179,575,739, 41 bases deleted; deleting any 41 consecutive bases within chr1:179,575,699-179,575,741 gives the same sequence; the c. name uses the placement nearest the transcript's 3' end. GRCh37 (hg19): chr1:179,544,836-179,544,876.
Other names: c.126_166del, p.Pro43fs (NM_001297575.2); short protein forms P43fs.
Identifiers: ClinVar variation 4711235 (VCV004711235.1).
Genomic context (GRCh38, chr1:179,575,698, plus strand): 5'-TCCTCGCCGGAGCCTCGGACCTCATCCACGTCCACCACCGTGGCGGCGGGCGCTCGGGGC[TCCCCCGGGGTCCCCGCCCGTCCGGAGCCCGACGGCTCGGGC>T]CCAGCCTCCTGGCGCCCGCGGCCTCCGCCGCTCCTCTCGGCCTTTGCCCTCTTGTTCTCC-3'